The following is an entry in ClinVar:

ClinVar aggregate classification (germline): Pathogenic (1 of 4 stars; one submission).

Conditions:
Multiple congenital exostosis (EXT). Also called: Hereditary multiple exostoses; Hereditary multiple exostosis; MULTIPLE CARTILAGINOUS EXOSTOSES; Multiple exostoses; Multiple osteochondromas; Hereditary multiple osteochondromas. Identifiers: Orphanet 321, MedGen C0015306, MONDO:0005508, HP:0002762.

Submission:

Labcorp Genetics (formerly Invitae), Labcorp
Classification: Pathogenic for Multiple congenital exostosis. Last evaluated: 2019-04-03. Review status: criteria provided, single submitter. Criteria: Invitae Variant Classification Sherloc (09022015). Collection method: clinical testing. Allele origin: germline.
Comment: For these reasons, this variant has been classified as Pathogenic. Loss-of-function variants in EXT1 are known to be pathogenic (PMID: 10679937, 11391482, 19810120). This variant has not been reported in the literature in individuals with EXT1-related conditions. This variant is not present in population databases (ExAC no frequency). This sequence change creates a premature translational stop signal (p.Asn173*) in the EXT1 gene. It is expected to result in an absent or disrupted protein product.

Literature cited by the submitters: PubMed 10679937; PubMed 11391482; PubMed 19810120.

NM_000127.3(EXT1):c.516_517insTA (p.Asn173Ter)

Gene: EXT1 (exostosin glycosyltransferase 1; minus strand). Cytogenetic location: 8q24.11.
Variant type: Insertion.
Coding change: c.516_517insTA on transcript NM_000127.3 (MANE Select); coding-DNA positions 516 to 517, TA inserted.
Protein change: p.Asn173Ter; replaces asparagine 173 with a stop codon.
Molecular consequence: nonsense.
Genome position: GRCh38 VCF-style: chr8-118110530-T-TTA. GRCh37 (hg19) VCF-style: chr8-119122769-T-TTA.
Other names: short protein forms N173*.
Identifiers: ClinVar variation 856715 (VCV000856715.7), dbSNP rs1817878703, ClinGen allele CA916081527.